The following is an entry in ClinVar:

ClinVar aggregate classification (germline): Uncertain significance (1 of 4 stars; one submission).

Conditions:
Sifrim-Hitz-Weiss syndrome (SIHIWES). Also called: SIFRIM-HITZ-WEISS MULTIPLE CONGENITAL ANOMALIES-MENTAL RETARDATION SYNDROME; CHD4 Neurodevelopmental Disorder. Identifiers: Orphanet 653712, MedGen C4310688, MONDO:0014946, OMIM 617159.

Submission:

3billion
Classification: Uncertain significance for Sifrim-Hitz-Weiss syndrome. Last evaluated: 2025-10-14. Review status: criteria provided, single submitter. Criteria: ACMG Guidelines, 2015. Collection method: clinical testing. Allele origin: germline. Affected: yes.
Comment: The variant is not observed in the gnomAD v4.1.0 dataset. Predicted Consequence/Location: Missense variant. Missense changes are a common disease-causing mechanism. In silico tool predictions suggest damaging effect of the variant on gene or gene product [REVEL: 0.78 (>=0.6, sensitivity 0.68 and specificity 0.92)]. Therefore, this variant is classified as VUS according to the recommendation of ACMG/AMP guideline.

NM_001273.5(CHD4):c.1360G>T (p.Val454Phe)

Gene: CHD4 (chromodomain helicase DNA binding protein 4; minus strand). Cytogenetic location: 12p13.31.
Variant type: single nucleotide variant.
Coding change: c.1360G>T on transcript NM_001273.5 (MANE Select); coding-DNA position 1360, G replaced by T.
Protein change: p.Val454Phe; replaces valine 454 with phenylalanine.
Molecular consequence: missense variant.
Genome position (GRCh38, 1-based): chr12:6,599,895, C>A on the plus strand (G>T on the coding strand, the complement: CHD4 is on the minus strand). VCF-style: chr12-6599895-C-A. GRCh37 (hg19) VCF-style: chr12-6709061-C-A.
Other names: c.1339G>T, p.Val447Phe (NM_001297553.2); c.1321G>T, p.Val441Phe (NM_001363606.2); short protein forms V441F, V447F, V454F.
Identifiers: ClinVar variation 4854066 (VCV004854066.1).
Genomic context (GRCh38, chr12:6,599,895, plus strand): 5'-GGATGTGGTAGGAAGAAGGACAGGTATCACAGCAGAGCAGTTCCCCACCATCCTTGCAGA[C>A]CCGACAGAATTCCATATGGTGGTCATCCTCCTCTTCGAGGTCTCCCCCAACCTCTTCCAG-3'
Protein context (NP_001264.2, residues 444-464): EDDHHMEFCR[Val454Phe]CKDGGELLCC